The following is an entry in ClinVar:

ClinVar aggregate classification (germline): Uncertain significance (1 of 4 stars; one submission).

Conditions:
Hereditary diffuse gastric adenocarcinoma (HDGC). Also called: DIFFUSE GASTRIC AND LOBULAR BREAST CANCER SYNDROME. Identifiers: Orphanet 26106, MedGen C1708349, MONDO:0007648, OMIM 137215.

Submission:

Labcorp Genetics (formerly Invitae), Labcorp
Classification: Uncertain significance for Hereditary diffuse gastric adenocarcinoma. Last evaluated: 2025-07-31. Review status: criteria provided, single submitter. Criteria: Invitae Variant Classification Sherloc (09022015). Collection method: clinical testing. Allele origin: germline.
Comment: This sequence change replaces isoleucine, which is neutral and non-polar, with serine, which is neutral and polar, at codon 207 of the CDH1 protein (p.Ile207Ser). This variant is not present in population databases (gnomAD no frequency). This variant has not been reported in the literature in individuals affected with CDH1-related conditions. ClinVar contains an entry for this variant (Variation ID: 2714860). An algorithm developed to predict the effect of missense changes on protein structure and function (PolyPhen-2) suggests that this variant is likely to be disruptive. In summary, the available evidence is currently insufficient to determine the role of this variant in disease. Therefore, it has been classified as a Variant of Uncertain Significance.

NM_004360.5(CDH1):c.620T>G (p.Ile207Ser)

Gene: CDH1 (cadherin 1; plus strand). Cytogenetic location: 16q22.1.
Variant type: single nucleotide variant.
Coding change: c.620T>G on transcript NM_004360.5 (MANE Select); coding-DNA position 620, T replaced by G.
Protein change: p.Ile207Ser; replaces isoleucine 207 with serine.
Molecular consequence: missense variant. On other transcripts: 5 prime UTR variant (2).
Genome position (GRCh38, 1-based): chr16:68,808,781, T>G. VCF-style: chr16-68808781-T-G. GRCh37 (hg19) VCF-style: chr16-68842684-T-G.
Other names: c.620T>G, p.Ile207Ser (NM_001317184.2); c.-996T>G (NM_001317185.2); c.-1200T>G (NM_001317186.2); short protein forms I207S.
Identifiers: ClinVar variation 2714860 (VCV002714860.3), dbSNP rs778570149, ClinGen allele CA396458026.